The following is an entry in ClinVar:

ClinVar aggregate classification (germline): Uncertain significance (1 of 4 stars; one submission).

Conditions:
Early Myoclonic Encephalopathy. Identifiers: MedGen C0270855.

Allele frequency attached by ClinVar (database versions not stated): gnomAD 0.00001; gnomAD exomes 0.00001 and below 0.00001; ExAC 0.00001.
gnomAD v4.1: 8 of 1,614,108 alleles (0.0005%); highest among the groups gnomAD compares: East Asian, 0.0045%; no homozygotes.

Submission:

Labcorp Genetics (formerly Invitae), Labcorp
Classification: Uncertain significance for Early Myoclonic Encephalopathy. Last evaluated: 2025-03-18. Review status: criteria provided, single submitter. Criteria: Invitae Variant Classification Sherloc (09022015). Collection method: clinical testing. Allele origin: germline.
Comment: This sequence change replaces alanine, which is neutral and non-polar, with serine, which is neutral and polar, at codon 674 of the JMJD1C protein (p.Ala674Ser). This variant is present in population databases (rs554677554, gnomAD 0.01%). This variant has not been reported in the literature in individuals affected with JMJD1C-related conditions. ClinVar contains an entry for this variant (Variation ID: 1056909). Invitae Evidence Modeling of protein sequence and biophysical properties (such as structural, functional, and spatial information, amino acid conservation, physicochemical variation, residue mobility, and thermodynamic stability) indicates that this missense variant is not expected to disrupt JMJD1C protein function with a negative predictive value of 80%. In summary, the available evidence is currently insufficient to determine the role of this variant in disease. Therefore, it has been classified as a Variant of Uncertain Significance.

NM_032776.3(JMJD1C):c.2020G>T (p.Ala674Ser)

Gene: JMJD1C (jumonji domain containing 1C; minus strand). Cytogenetic location: 10q21.3.
Variant type: single nucleotide variant.
Coding change: c.2020G>T on transcript NM_032776.3 (MANE Select); coding-DNA position 2020, G replaced by T.
Protein change: p.Ala674Ser; replaces alanine 674 with serine.
Molecular consequence: missense variant. On other transcripts: non-coding transcript variant (1).
Genome position (GRCh38, 1-based): chr10:63,214,147, C>A on the plus strand (G>T on the coding strand, the complement: JMJD1C is on the minus strand). VCF-style: chr10-63214147-C-A. GRCh37 (hg19) VCF-style: chr10-64973907-C-A.
Other names: c.1474G>T, p.Ala492Ser (NM_001282948.2, NM_001318154.2); c.1156G>T, p.Ala386Ser (NM_001318153.2); c.1906G>T, p.Ala636Ser (NM_001322252.2); c.1363G>T, p.Ala455Ser (NM_001322254.2, NM_001322258.2); short protein forms A386S, A455S, A492S, A636S, A674S.
Identifiers: ClinVar variation 1056909 (VCV001056909.9), dbSNP rs554677554, ClinGen allele CA5518698.